The following is an entry in ClinVar:

NM_020247.5(COQ8A):c.178-2A>G

Gene: COQ8A (coenzyme Q8A; plus strand). Cytogenetic location: 1q42.13.
Variant type: single nucleotide variant.
Coding change: c.178-2A>G on transcript NM_020247.5 (MANE Select); the canonical splice acceptor site of the intron before coding-DNA position 178, A replaced by G.
Molecular consequence: splice acceptor variant.
Genome position (GRCh38, 1-based): chr1:226,964,998, A>G. VCF-style: chr1-226964998-A-G. GRCh37 (hg19) VCF-style: chr1-227152699-A-G.
Identifiers: ClinVar variation 1909823 (VCV001909823.5), dbSNP rs532458270, ClinGen allele CA38628447.
Genomic context (GRCh38, chr1:226,964,998, plus strand): 5'-CAGGCAGGGAGGAGCTCCTGGCTCGCTCTTGCTCTCCTAATGCTGGCCTTTGCTCCCTGC[A>G]GGGTCAGGATAAACATGAAGAATATTTTGCTGAGAACTTCGGCGGCCCAGAAGGGGAGTT-3'

ClinVar aggregate classification (germline): Likely pathogenic (1 of 4 stars; one submission).

Allele frequency attached by ClinVar (database versions not stated): gnomAD exomes below 0.00001; TOPMed below 0.00001; gnomAD 0.00001; 1000 Genomes Project 30x 0.00016; 1000 Genomes Project 0.00020.
gnomAD v4.1: 5 of 1,613,896 alleles (0.00031%); highest among the groups gnomAD compares: Admixed American, 0.0017%; no homozygotes.

Submission:

Labcorp Genetics (formerly Invitae), Labcorp
Classification: Likely pathogenic. Last evaluated: 2025-10-01. Review status: criteria provided, single submitter. Criteria: Invitae Variant Classification Sherloc (09022015). Collection method: clinical testing. Allele origin: germline.
Comment: This sequence change affects an acceptor splice site in intron 2 of the COQ8A gene. It is expected to disrupt RNA splicing. Variants that disrupt the donor or acceptor splice site typically lead to a loss of protein function (PMID: 16199547), and loss-of-function variants in COQ8A are known to be pathogenic (PMID: 18319074, 20580948). This variant is not present in population databases (gnomAD no frequency). This variant has not been reported in the literature in individuals affected with COQ8A-related conditions. ClinVar contains an entry for this variant (Variation ID: 1909823). Algorithms developed to predict the effect of sequence changes on RNA splicing suggest that this variant may disrupt the consensus splice site. In summary, the currently available evidence indicates that the variant is pathogenic, but additional data are needed to prove that conclusively. Therefore, this variant has been classified as Likely Pathogenic.

Literature cited by the submitters: PubMed 16199547; PubMed 18319074; PubMed 20580948.